The following is an entry in ClinVar:

NM_006005.3(WFS1):c.754A>G (p.Lys252Glu)

Gene: WFS1 (wolframin ER transmembrane glycoprotein; plus strand). Cytogenetic location: 4p16.1.
Variant type: single nucleotide variant.
Coding change: c.754A>G on transcript NM_006005.3 (MANE Select); coding-DNA position 754, A replaced by G.
Protein change: p.Lys252Glu; replaces lysine 252 with glutamic acid.
Molecular consequence: missense variant.
Genome position (GRCh38, 1-based): chr4:6,295,082, A>G. VCF-style: chr4-6295082-A-G. GRCh37 (hg19) VCF-style: chr4-6296809-A-G.
Other names: c.754A>G, p.Lys252Glu (NM_001145853.1); short protein forms K252E.
Identifiers: ClinVar variation 505263 (VCV000505263.6), dbSNP rs1553877330, ClinGen allele CA356172467.

ClinVar aggregate classification (germline): Conflicting classifications of pathogenicity. Review status: criteria provided, conflicting classifications (1 of 4 stars). 2 submissions from 2 submitters: Likely risk allele (1); Uncertain significance (1). Last evaluated 2016-09-11.

Conditions:
Wolfram syndrome 1 (WFS1). Identifiers: Orphanet 3463, MedGen C4551693, MONDO:0009101, OMIM 222300.

Submissions (2):

Laboratory for Molecular Medicine, Mass General Brigham Personalized Medicine
Classification: Uncertain significance. Last evaluated: 2016-09-11. Review status: criteria provided, single submitter. Criteria: LMM Criteria. Collection method: clinical testing. Allele origin: germline. Observed: 1 variant allele.
Comment: The p.Lys252Glu variant in WFS1 has not been previously reported in individuals with hearing loss, Wolfram syndrome, or Wolfram-like disorder. This variant was absent from large population studies. Computational prediction tools and conser vation analyses do not provide strong support for or against an impact to the pr otein. In summary, the clinical significance of the p.Lys252Glu variant is uncer tain.

Clinical Genomics, Uppaluri K&H Personalized Medicine Clinic
Classification: Likely risk allele for Wolfram syndrome 1. Review status: criteria provided, single submitter. Criteria: K & H Uppaluri Personalized Medicine Clinic Variant Classification & Assertion Criteria_Updated V.1. Collection method: research. Allele origin: unknown. Inheritance: Autosomal recessive inheritance.
Comment: Potent mutations in WFS1 gene are associated with Wolfram's syndrome, an autosomal recessive condition, which cause diabetes mellitus, diabetes insipidus, deafness and optic atrophy.However no sufficient evidence is found to ascertain the role of this particular variant rs1553877330 in Wolfram's syndrome yet.

Literature cited by the submitters: PubMed 20738327 (cited by Clinical Genomics, Uppaluri K&H Personalized Medicine Clinic); PubMed 33879153 (cited by Clinical Genomics, Uppaluri K&H Personalized Medicine Clinic); PubMed 12955714 (cited by Clinical Genomics, Uppaluri K&H Personalized Medicine Clinic); PubMed 18060660 (cited by Clinical Genomics, Uppaluri K&H Personalized Medicine Clinic); PubMed 20301750 (cited by Clinical Genomics, Uppaluri K&H Personalized Medicine Clinic); PubMed 17603484 (cited by Clinical Genomics, Uppaluri K&H Personalized Medicine Clinic).